The following is an entry in ClinVar:

NM_014000.3(VCL):c.2273G>C (p.Arg758Pro)

Gene: VCL (vinculin; plus strand). Cytogenetic location: 10q22.2.
Variant type: single nucleotide variant.
Coding change: c.2273G>C on transcript NM_014000.3 (MANE Select); coding-DNA position 2273, G replaced by C.
Protein change: p.Arg758Pro; replaces arginine 758 with proline.
Molecular consequence: missense variant.
Genome position (GRCh38, 1-based): chr10:74,105,192, G>C. VCF-style: chr10-74105192-G-C. GRCh37 (hg19) VCF-style: chr10-75864950-G-C.
Other names: c.2273G>C, p.Arg758Pro (NM_003373.4); short protein forms R758P.
Identifiers: ClinVar variation 2770476 (VCV002770476.3), dbSNP rs371970354, ClinGen allele CA5563184.

ClinVar aggregate classification (germline): Uncertain significance (1 of 4 stars; one submission).

Conditions:
Dilated cardiomyopathy 1W (CMD1W). Identifiers: Orphanet 154, MedGen C1969639, MONDO:0012667, OMIM 611407.

Allele frequency attached by ClinVar (database versions not stated): ESP Exome Variant Server 0.00008.
gnomAD v4.1: 2 of 1,614,022 alleles (0.00012%); highest among the groups gnomAD compares: African/African-American, 0.0013%; no homozygotes.

Submission:

Labcorp Genetics (formerly Invitae), Labcorp
Classification: Uncertain significance for Dilated cardiomyopathy 1W. Last evaluated: 2023-10-22. Review status: criteria provided, single submitter. Criteria: Invitae Variant Classification Sherloc (09022015). Collection method: clinical testing. Allele origin: germline.
Comment: This sequence change replaces arginine, which is basic and polar, with proline, which is neutral and non-polar, at codon 758 of the VCL protein (p.Arg758Pro). This variant is present in population databases (rs371970354, gnomAD 0.0009%). This variant has not been reported in the literature in individuals affected with VCL-related conditions. An algorithm developed to predict the effect of missense changes on protein structure and function (PolyPhen-2) suggests that this variant is likely to be disruptive. In summary, the available evidence is currently insufficient to determine the role of this variant in disease. Therefore, it has been classified as a Variant of Uncertain Significance.